The following is an entry in ClinVar:

ClinVar aggregate classification (germline): Conflicting classifications of pathogenicity. Review status: criteria provided, conflicting classifications (1 of 4 stars). 4 submissions from 4 submitters: Uncertain significance (3); Likely benign (1). Last evaluated 2026-01-26.

Conditions:
Aldosterone-producing adenoma with seizures and neurological abnormalities. Also called: Primary aldosteronism, seizures, and neurologic abnormalities. Identifiers: Orphanet 369929, MedGen C3809609, MONDO:0014200, OMIM 615474.

Allele frequency attached by ClinVar (database versions not stated): ExAC 0.00006; ESP Exome Variant Server 0.00008; gnomAD 0.00010 and 0.00011; TOPMed 0.00013; 1000 Genomes Project 30x 0.00016; 1000 Genomes Project 0.00020.
gnomAD v4.1: 49 of 1,613,978 alleles (0.003%); highest among the groups gnomAD compares: African/African-American, 0.039%; 1 homozygote.

Submissions (4):

Labcorp Genetics (formerly Invitae), Labcorp
Classification: Likely benign. Last evaluated: 2026-01-26. Review status: criteria provided, single submitter. Criteria: Invitae Variant Classification Sherloc (09022015). Collection method: clinical testing. Allele origin: germline.

GeneDx
Classification: Uncertain significance. Last evaluated: 2024-09-05. Review status: criteria provided, single submitter. Criteria: GeneDx Variant Classification Process June 2021. Collection method: clinical testing. Allele origin: germline. Affected: yes.
Comment: In silico analysis supports that this missense variant has a deleterious effect on protein structure/function; Has not been previously published as pathogenic or benign to our knowledge

Genetic Services Laboratory, University of Chicago
Classification: Uncertain significance. Last evaluated: 2021-11-18. Review status: criteria provided, single submitter. Criteria: ACMG Guidelines, 2015. Collection method: clinical testing. Allele origin: germline. Affected: no.
Comment: This sequence change does not appear to have been previously described in individuals with CACNA1D-related disorders and has also not been described in the population databases such as ExAC and gnomAD. OR This sequence change has been described in the gnomAD database with a frequency of 0.036% in the African subpopulation (dbSNP rs142692903). The p.Arg2054Trp change affects a moderately conserved amino acid residue located in a domain of the CACNA1D protein that is not known to be functional. In-silico pathogenicity prediction tools (SIFT, PolyPhen2, Align GVGD, REVEL) provide contradictory results for the p.Arg2054Trp substitution. Due to insufficient evidence and the lack of functional studies, the clinical significance of the p.Arg2054Trp change remains unknown at this time.

Clinical Genomics Laboratory, Stanford Medicine
Classification: Uncertain significance for Aldosterone-producing adenoma with seizures and neurological abnormalities. Last evaluated: 2021-06-17. Review status: criteria provided, single submitter. Criteria: ACMG Guidelines, 2015. Collection method: clinical testing. Allele origin: germline. Affected: yes. Observed: 1 heterozygote.
Comment: The p.Arg2054Trp variant in the CACNA1D gene has not been previously reported in association with disease. This variant has been identified in 9/24,948 African/African-American chromosomes by the Genome Aggregation Database. Computational tools predict that this variant is deleterious; however, the accuracy of in silico algorithms is limited. These data were assessed using the ACMG/AMP variant interpretation guidelines. In summary, the significance of the p.Arg2054Trp variant is uncertain. Additional information is needed to resolve the significance of this variant. [ACMG evidence codes used: PP3]

NM_001128840.3(CACNA1D):c.6100C>T (p.Arg2034Trp)

Gene: CACNA1D (calcium voltage-gated channel subunit alpha1 D; plus strand). Cytogenetic location: 3p21.1.
Variant type: single nucleotide variant.
Coding change: c.6100C>T on transcript NM_001128840.3 (MANE Select); coding-DNA position 6100, C replaced by T.
Protein change: p.Arg2034Trp; replaces arginine 2034 with tryptophan.
Molecular consequence: missense variant.
Genome position (GRCh38, 1-based): chr3:53,810,206, C>T. VCF-style: chr3-53810206-C-T. GRCh37 (hg19) VCF-style: chr3-53844233-C-T.
Other names: p.Arg2054Trp; c.6160C>T, p.Arg2054Trp (NM_000720.4); c.6028C>T, p.Arg2010Trp (NM_001128839.3); c.6160C>T (NM_000720.2); short protein forms R2010W, R2034W, R2054W.
Identifiers: ClinVar variation 1338143 (VCV001338143.11), dbSNP rs142692903, ClinGen allele CA2455364.